The following is an entry in ClinVar:

NM_017617.5(NOTCH1):c.236G>A (p.Arg79His)

Gene: NOTCH1 (notch receptor 1; minus strand). Cytogenetic location: 9q34.3.
Variant type: single nucleotide variant.
Coding change: c.236G>A on transcript NM_017617.5 (MANE Select); coding-DNA position 236, G replaced by A.
Protein change: p.Arg79His; replaces arginine 79 with histidine.
Molecular consequence: missense variant.
Genome position (GRCh38, 1-based): chr9:136,523,884, C>T on the plus strand (G>A on the coding strand, the complement: NOTCH1 is on the minus strand). VCF-style: chr9-136523884-C-T. GRCh37 (hg19) VCF-style: chr9-139418336-C-T.
Other names: c.236G>A, p.Arg79His (LRG_1122t1); short protein forms R79H.
Identifiers: ClinVar variation 477898 (VCV000477898.9), dbSNP rs768517628, ClinGen allele CA5342220.

ClinVar aggregate classification (germline): Uncertain significance. Review status: criteria provided, multiple submitters, no conflicts (2 of 4 stars). 2 submissions from 2 submitters: Uncertain significance (2). Last evaluated 2025-08-01.

Conditions:
Adams-Oliver syndrome 5 (AOS5). Identifiers: Orphanet 974, MedGen C4014970, MONDO:0014459, OMIM 616028.
Aortic valve disease 1 (AOVD1). Identifiers: MedGen C3887892, MONDO:0024523, OMIM 109730.

Allele frequency attached by ClinVar (database versions not stated): ExAC 0.00001; TOPMed 0.00003.
gnomAD v4.1: 6 of 1,609,476 alleles (0.00037%); highest among the groups gnomAD compares: South Asian, 0.0011%; no homozygotes.

Submissions (2):

Labcorp Genetics (formerly Invitae), Labcorp
Classification: Uncertain significance for Adams-Oliver syndrome 5. Last evaluated: 2025-08-01. Review status: criteria provided, single submitter. Criteria: Invitae Variant Classification Sherloc (09022015). Collection method: clinical testing. Allele origin: germline.
Comment: This sequence change replaces arginine, which is basic and polar, with histidine, which is basic and polar, at codon 79 of the NOTCH1 protein (p.Arg79His). The frequency data for this variant in the population databases is considered unreliable, as metrics indicate poor data quality at this position in the gnomAD database. This variant has not been reported in the literature in individuals affected with NOTCH1-related conditions. ClinVar contains an entry for this variant (Variation ID: 477898). Invitae Evidence Modeling of protein sequence and biophysical properties (such as structural, functional, and spatial information, amino acid conservation, physicochemical variation, residue mobility, and thermodynamic stability) indicates that this missense variant is not expected to disrupt NOTCH1 protein function with a negative predictive value of 95%. In summary, the available evidence is currently insufficient to determine the role of this variant in disease. Therefore, it has been classified as a Variant of Uncertain Significance.

Fulgent Genetics
Classification: Uncertain significance for Aortic valve disease 1; Adams-Oliver syndrome 5. Last evaluated: 2021-10-07. Review status: criteria provided, single submitter. Criteria: ACMG Guidelines, 2015. Collection method: clinical testing. Allele origin: unknown.